The following is an entry in ClinVar:

ClinVar aggregate classification (germline): Likely benign (0 of 4 stars; one submission).

Conditions:
SLC34A3-related disorder. Also called: SLC34A3-related condition.

Allele frequency attached by ClinVar (database versions not stated): ExAC 0.00006.

Submission:

PreventionGenetics, part of Exact Sciences
Classification: Likely benign for SLC34A3-related condition. Last evaluated: 2021-04-07. Review status: no assertion criteria provided. Collection method: clinical testing. Allele origin: germline.
Comment: This variant is classified as likely benign based on ACMG/AMP sequence variant interpretation guidelines (Richards et al. 2015 PMID: 25741868, with internal and published modifications).

NM_001177316.2(SLC34A3):c.560+35dup

Gene: SLC34A3 (solute carrier family 34 member 3; plus strand). Cytogenetic location: 9q34.3.
Variant type: Duplication.
Coding change: c.560+35dup on transcript NM_001177316.2 (MANE Select); 35 bases into the intron after coding-DNA position 560, one base duplicated (C; older notation c.560+35dupC).
Molecular consequence: intron variant.
Genome position (GRCh38, 1-based): chr9:137,233,150, C duplicated. VCF-style (leftmost placement, unchanged base first): chr9-137233149-G-GC. GRCh37 (hg19) VCF-style: chr9-140127601-G-GC.
Other names: c.560+35dup (NM_001177317.2, NM_080877.3).
Identifiers: ClinVar variation 3059848 (VCV003059848.2), dbSNP rs756972299, ClinGen allele CA5364470.